The following is an entry in ClinVar:

NM_000038.6(APC):c.1172T>G (p.Ile391Ser)

Gene: APC (APC regulator of Wnt signaling pathway; plus strand). Cytogenetic location: 5q22.2.
Variant type: single nucleotide variant.
Coding change: c.1172T>G on transcript NM_000038.6 (MANE Select); coding-DNA position 1172, T replaced by G.
Protein change: p.Ile391Ser; replaces isoleucine 391 with serine.
Molecular consequence: missense variant. On other transcripts: intron variant (4).
Genome position (GRCh38, 1-based): chr5:112,819,204, T>G. VCF-style: chr5-112819204-T-G. GRCh37 (hg19) VCF-style: chr5-112154901-T-G.
Other names: c.1172T>G, p.Ile391Ser (NM_001127510.3, NM_001354895.2, NM_001354896.2 and 4 more transcripts); c.1118T>G, p.Ile373Ser (NM_001127511.3); c.1202T>G, p.Ile401Ser (NM_001354897.2, NM_001407446.1); c.1097T>G, p.Ile366Ser (NM_001354898.2, NM_001407451.1); c.1088T>G, p.Ile363Ser (NM_001354899.2, NM_001407452.1); c.995T>G, p.Ile332Ser (NM_001354900.2, NM_001354901.2, NM_001407453.1); c.323T>G, p.Ile108Ser (NM_001354906.2, NM_001407470.1); c.964-65T>G (NM_001354902.2); and 3 more; short protein forms I108S, I366S, I401S, I373S, I332S, I391S, I363S.
Identifiers: ClinVar variation 1739989 (VCV001739989.5), dbSNP rs1580530103, ClinGen allele CA16023873.
Genomic context (GRCh38, chr5:112,819,204, plus strand): 5'-GAAATTCCCGGGGCAGTAAAGAGGCTCGGGCCAGGGCCAGTGCAGCACTCCACAACATCA[T>G]TCACTCACAGCCTGATGACAAGAGAGGCAGGCGTGAAATCCGAGTCCTTCATCTTTTGGA-3'
Protein context (NP_000029.2, residues 381-401): ARASAALHNI[Ile391Ser]HSQPDDKRGR

ClinVar aggregate classification (germline): Uncertain significance. Review status: criteria provided, multiple submitters, no conflicts (2 of 4 stars). 2 submissions from 2 submitters: Uncertain significance (2). Last evaluated 2023-05-19.

Conditions:
Hereditary cancer-predisposing syndrome. Also called: Hereditary Cancer Syndrome; Hereditary neoplastic syndrome; Neoplastic Syndromes, Hereditary; Tumor predisposition. Identifiers: Orphanet 140162, MedGen C0027672, MeSH D009386, MONDO:0015356.
Familial adenomatous polyposis 1 (FAP1). Also called: FAMILIAL ADENOMATOUS POLYPOSIS 1, ATTENUATED; POLYPOSIS, ADENOMATOUS INTESTINAL. Identifiers: MedGen C2713442, MONDO:0021056, OMIM 175100. Disease mechanism: loss of function.

Submissions (2):

Labcorp Genetics (formerly Invitae), Labcorp
Classification: Uncertain significance for Familial adenomatous polyposis 1. Last evaluated: 2023-05-19. Review status: criteria provided, single submitter. Criteria: Invitae Variant Classification Sherloc (09022015). Collection method: clinical testing. Allele origin: germline.
Comment: In summary, the available evidence is currently insufficient to determine the role of this variant in disease. Therefore, it has been classified as a Variant of Uncertain Significance. Advanced modeling of protein sequence and biophysical properties (such as structural, functional, and spatial information, amino acid conservation, physicochemical variation, residue mobility, and thermodynamic stability) performed at Invitae indicates that this missense variant is not expected to disrupt APC protein function. ClinVar contains an entry for this variant (Variation ID: 1739989). This variant has not been reported in the literature in individuals affected with APC-related conditions. This variant is not present in population databases (gnomAD no frequency). This sequence change replaces isoleucine, which is neutral and non-polar, with serine, which is neutral and polar, at codon 391 of the APC protein (p.Ile391Ser).

Ambry Genetics
Classification: Uncertain significance for Hereditary cancer-predisposing syndrome. Last evaluated: 2022-01-19. Review status: criteria provided, single submitter. Criteria: Ambry Variant Classification Scheme 2023. Collection method: clinical testing. Allele origin: germline.
Comment: The p.I391S variant (also known as c.1172T>G), located in coding exon 9 of the APC gene, results from a T to G substitution at nucleotide position 1172. The isoleucine at codon 391 is replaced by serine, an amino acid with dissimilar properties. This amino acid position is conserved. In addition, in silico predictors for this gene do not accurately predict pathogenicity. Since supporting evidence is limited at this time, the clinical significance of this alteration remains unclear.